The following is an entry in ClinVar:

ClinVar aggregate classification (germline): Benign/Likely benign. Review status: criteria provided, multiple submitters, no conflicts (2 of 4 stars). 9 submissions from 8 submitters: Benign (7); Likely benign (2). Last evaluated 2026-01-19.

Conditions:
Autosomal recessive nonsyndromic hearing loss 21. Identifiers: Orphanet 90636, MedGen C1863655, MONDO:0011351, OMIM 603629.
Autosomal dominant nonsyndromic hearing loss 12. Also called: DEAFNESS, AUTOSOMAL DOMINANT 8. Identifiers: Orphanet 90635, MedGen C1832187, MONDO:0011102, OMIM 601543.

Allele frequency attached by ClinVar (database versions not stated): gnomAD exomes 0.00204 and 0.00518; ExAC 0.00616; 1000 Genomes Project 0.01797; 1000 Genomes Project 30x 0.01843; gnomAD 0.01980 and 0.02137; ESP Exome Variant Server 0.02007; TOPMed 0.02303.
gnomAD v4.1: 6,109 of 1,614,140 alleles (0.38%); highest among the groups gnomAD compares: African/African-American, 7.2%; 212 homozygotes.

Submissions (9):

Labcorp Genetics (formerly Invitae), Labcorp
Classification: Benign. Last evaluated: 2026-01-19. Review status: criteria provided, single submitter. Criteria: Invitae Variant Classification Sherloc (09022015). Collection method: clinical testing. Allele origin: germline.

Mayo Clinic Laboratories, Mayo Clinic
Classification: Benign. Last evaluated: 2020-10-05. Review status: criteria provided, single submitter. Criteria: ACMG Guidelines, 2015. Collection method: clinical testing. Allele origin: germline. Observed: 2 variant alleles.

ARUP Laboratories, Molecular Genetics and Genomics, ARUP Laboratories
Classification: Benign. Last evaluated: 2019-08-02. Review status: criteria provided, single submitter. Criteria: ARUP Molecular Germline Variant Investigation Process. Collection method: clinical testing. Allele origin: germline.

Athena Diagnostics
Classification: Benign. Last evaluated: 2018-11-12. Review status: criteria provided, single submitter. Criteria: Athena Diagnostics Criteria. Collection method: clinical testing. Allele origin: germline.

Illumina Laboratory Services, Illumina
Classification: Benign for Autosomal dominant nonsyndromic hearing loss 12. Last evaluated: 2018-01-12. Review status: criteria provided, single submitter. Criteria: ICSL Variant Classification Criteria 13 December 2019. Collection method: clinical testing. Allele origin: germline.
Comment: This variant was observed in the ICSL laboratory as part of a predisposition screen in an ostensibly healthy population. It had not been previously curated by ICSL or reported in the Human Gene Mutation Database (HGMD: prior to June 1st, 2018), and was therefore a candidate for classification through an automated scoring system. Utilizing variant allele frequency, disease prevalence and penetrance estimates, and inheritance mode, an automated score was calculated to assess if this variant is too frequent to cause the disease. Based on the score and internal cut-off values, a variant classified as benign is not then subjected to further curation. The score for this variant resulted in a classification of benign for this disease.

Illumina Laboratory Services, Illumina
Classification: Likely benign for Autosomal recessive nonsyndromic hearing loss 21. Last evaluated: 2018-01-12. Review status: criteria provided, single submitter. Criteria: ICSL Variant Classification Criteria 13 December 2019. Collection method: clinical testing. Allele origin: germline.
Comment: This variant was observed in the ICSL laboratory as part of a predisposition screen in an ostensibly healthy population. It had not been previously curated by ICSL or reported in the Human Gene Mutation Database (HGMD: prior to June 1st, 2018), and was therefore a candidate for classification through an automated scoring system. Utilizing variant allele frequency, disease prevalence and penetrance estimates, and inheritance mode, an automated score was calculated to assess if this variant is too frequent to cause the disease. Based on the score and internal cut-off values, a variant classified as likely benign is not then subjected to further curation. The score for this variant resulted in a classification of likely benign for this disease.

GeneDx
Classification: Benign. Last evaluated: 2017-10-09. Review status: criteria provided, single submitter. Criteria: GeneDx Variant Classification (06012015). Collection method: clinical testing. Allele origin: germline. Affected: yes.
Comment: This variant is considered likely benign or benign based on one or more of the following criteria: it is a conservative change, it occurs at a poorly conserved position in the protein, it is predicted to be benign by multiple in silico algorithms, and/or has population frequency not consistent with disease.

Laboratory for Molecular Medicine, Mass General Brigham Personalized Medicine
Classification: Benign. Last evaluated: 2012-05-07. Review status: criteria provided, single submitter. Criteria: LMM Criteria. Collection method: clinical testing. Allele origin: germline. Observed: 26 variant alleles.
Comment: Ser1584Thr in Exon 14 of TECTA: This variant is not expected to have clinical si gnificance because it has been identified in 6.0% (223/3738) of African American chromosomes from a broad population by the NHLBI Exome Sequencing Project (dbSNP rs34963131).

Breakthrough Genomics
Classification: Likely benign. Review status: criteria provided, single submitter. Criteria: ACMG Guidelines, 2015. Collection method: not provided. Allele origin: germline. Inheritance: Autosomal recessive inheritance. Affected: yes.

NM_005422.4(TECTA):c.4751G>C (p.Ser1584Thr)

Genes: TECTA (tectorin alpha; plus strand), TBCEL-TECTA (TBCEL-TECTA readthrough; plus strand). Cytogenetic location: 11q23.3.
Variant type: single nucleotide variant.
Coding change: c.4751G>C on transcript NM_005422.4 (MANE Select); coding-DNA position 4751, G replaced by C.
Protein change: p.Ser1584Thr; replaces serine 1584 with threonine.
Molecular consequence: missense variant.
Genome position (GRCh38, 1-based): chr11:121,160,196, G>C. VCF-style: chr11-121160196-G-C. GRCh37 (hg19) VCF-style: chr11-121030905-G-C.
Other names: c.5708G>C, p.Ser1903Thr (NM_001378761.1); short protein forms S1584T, S1903T.
Identifiers: ClinVar variation 45334 (VCV000045334.30), dbSNP rs34963131, ClinGen allele CA136057.